The following is an entry in ClinVar:

NM_001099271.2(POC5):c.1607C>A (p.Ala536Glu)

Gene: POC5 (POC5 centriolar protein; minus strand). Cytogenetic location: 5q13.3.
Variant type: single nucleotide variant.
Coding change: c.1607C>A on transcript NM_001099271.2 (MANE Select); coding-DNA position 1607, C replaced by A.
Protein change: p.Ala536Glu; replaces alanine 536 with glutamic acid.
Molecular consequence: missense variant.
Genome position (GRCh38, 1-based): chr5:75,674,556, G>T on the plus strand (C>A on the coding strand, the complement: POC5 is on the minus strand). VCF-style: chr5-75674556-G-T. GRCh37 (hg19) VCF-style: chr5-74970381-G-T.
Other names: c.1532C>A, p.Ala511Glu (NM_152408.3); c.1607C>A (NM_001099271.1); short protein forms A511E, A536E.
Identifiers: ClinVar variation 1365847 (VCV001365847.7), dbSNP rs760243497, ClinGen allele CA3310273.

ClinVar aggregate classification (germline): Uncertain significance. Review status: criteria provided, multiple submitters, no conflicts (2 of 4 stars). 2 submissions from 2 submitters: Uncertain significance (2). Last evaluated 2024-07-05.

Allele frequency attached by ClinVar (database versions not stated): ExAC 0.00002; gnomAD exomes 0.00002 and 0.00007; gnomAD 0.00003 and 0.00004; TOPMed 0.00004.
gnomAD v4.1: 103 of 1,613,796 alleles (0.0064%); highest among the groups gnomAD compares: Non-Finnish European, 0.0081%; no homozygotes.

Submissions (2):

Ambry Genetics
Classification: Uncertain significance. Last evaluated: 2024-07-05. Review status: criteria provided, single submitter. Criteria: Ambry Variant Classification Scheme 2023. Collection method: clinical testing. Allele origin: germline.

Labcorp Genetics (formerly Invitae), Labcorp
Classification: Uncertain significance. Last evaluated: 2024-02-16. Review status: criteria provided, single submitter. Criteria: Invitae Variant Classification Sherloc (09022015). Collection method: clinical testing. Allele origin: germline.
Comment: This sequence change replaces alanine with glutamic acid at codon 536 of the POC5 protein (p.Ala536Glu). There is a moderate physicochemical difference between alanine and glutamic acid. This variant is present in population databases (rs760243497, gnomAD 0.004%). This variant has not been reported in the literature in individuals affected with POC5-related conditions. ClinVar contains an entry for this variant (Variation ID: 1365847). An algorithm developed to predict the effect of missense changes on protein structure and function (PolyPhen-2) suggests that this variant is likely to be disruptive. In summary, the available evidence is currently insufficient to determine the role of this variant in disease. Therefore, it has been classified as a Variant of Uncertain Significance.